The following is an entry in ClinVar:

NM_002081.3(GPC1):c.644G>A (p.Arg215His)

Gene: GPC1 (glypican 1; plus strand). Cytogenetic location: 2q37.3.
Variant type: single nucleotide variant.
Coding change: c.644G>A on transcript NM_002081.3 (MANE Select); coding-DNA position 644, G replaced by A.
Protein change: p.Arg215His; replaces arginine 215 with histidine.
Molecular consequence: missense variant.
Genome position (GRCh38, 1-based): chr2:240,462,509, G>A. VCF-style: chr2-240462509-G-A. GRCh37 (hg19) VCF-style: chr2-241401926-G-A.
Other names: short protein forms R215H.
Identifiers: ClinVar variation 3050913 (VCV003050913.2), dbSNP rs143813409, ClinGen allele CA2202954.

ClinVar aggregate classification (germline): Likely benign (0 of 4 stars; one submission).

Conditions:
GPC1-related disorder. Also called: GPC1-related condition.

Allele frequency attached by ClinVar (database versions not stated): 1000 Genomes Project 30x 0.00016; 1000 Genomes Project 0.00020; ExAC 0.00026; ESP Exome Variant Server 0.00031; gnomAD 0.00064; TOPMed 0.00075.
gnomAD v4.1: 243 of 1,590,818 alleles (0.015%); highest among the groups gnomAD compares: African/African-American, 0.21%; 1 homozygote.

Submission:

PreventionGenetics, part of Exact Sciences
Classification: Likely benign for GPC1-related condition. Last evaluated: 2022-04-21. Review status: no assertion criteria provided. Collection method: clinical testing. Allele origin: germline.
Comment: This variant is classified as likely benign based on ACMG/AMP sequence variant interpretation guidelines (Richards et al. 2015 PMID: 25741868, with internal and published modifications).